The following is an entry in ClinVar:

NM_001039111.3(TRIM71):c.1564_1577del (p.Asp522fs)

Gene: TRIM71 (tripartite motif containing 71; plus strand). Cytogenetic location: 3p22.3.
Variant type: Deletion.
Coding change: c.1564_1577del on transcript NM_001039111.3 (MANE Select); coding-DNA positions 1564 to 1577, 14 bases deleted (GACCTGATGTCGGC).
Protein change: p.Asp522fs; shifts the reading frame from aspartic acid 522.
Molecular consequence: frameshift variant.
Genome position (GRCh38, 1-based): chr3:32,890,768-32,890,781, GACCTGATGTCGGC deleted; deleting any 14 consecutive bases within chr3:32,890,765-32,890,781 gives the same sequence; the c. name uses the placement nearest the transcript's 3' end. VCF-style (leftmost placement, unchanged base first): chr3-32890764-AGGCGACCTGATGTC-A. GRCh37 (hg19) VCF-style: chr3-32932256-AGGCGACCTGATGTC-A.
Other names: short protein forms D522fs.
Identifiers: ClinVar variation 1803593 (VCV001803593.1), dbSNP rs2471094481, ClinGen allele CA2580069236.

ClinVar aggregate classification (germline): Uncertain significance (1 of 4 stars; one submission).

Submission:

GeneDx
Classification: Uncertain significance. Last evaluated: 2022-06-08. Review status: criteria provided, single submitter. Criteria: GeneDx Variant Classification Process June 2021. Collection method: clinical testing. Allele origin: germline. Affected: yes.
Comment: Not observed at significant frequency in large population cohorts (gnomAD); Frameshift variant predicted to result in protein truncation as the last 347 amino acids are replaced with 5 different amino acids, although loss-of-function variants have not been reported downstream of this position in the protein; Has not been previously published as pathogenic or benign to our knowledge